The following is an entry in ClinVar:

ClinVar aggregate classification (germline): Likely benign (1 of 4 stars; one submission).

Conditions:
PLXNA4-related disorder. Also called: PLXNA4-related condition.

Submission:

PreventionGenetics, part of Exact Sciences
Classification: Likely benign for PLXNA4-related condition. Last evaluated: 2026-06-02. Review status: criteria provided, single submitter. Criteria: ACMG Guidelines, 2015. Collection method: clinical testing. Allele origin: germline.
Comment: This variant is classified as likely benign based on ACMG/AMP sequence variant interpretation guidelines (Richards et al. 2015 PMID: 25741868, with internal and published modifications).

NM_020911.2(PLXNA4):c.5001C>T (p.Asp1667=)

Gene: PLXNA4 (plexin A4; minus strand). Cytogenetic location: 7q32.3.
Variant type: single nucleotide variant.
Coding change: c.5001C>T on transcript NM_020911.2 (MANE Select); coding-DNA position 5001, C replaced by T.
Protein change: p.Asp1667=; no amino-acid change (aspartic acid 1667 retained).
Molecular consequence: synonymous variant.
Genome position (GRCh38, 1-based): chr7:132,146,564, G>A on the plus strand (C>T on the coding strand, the complement: PLXNA4 is on the minus strand). VCF-style: chr7-132146564-G-A. GRCh37 (hg19) VCF-style: chr7-131831323-G-A.
Other names: c.5001C>T, p.Asp1667= (NM_001393897.1).
Identifiers: ClinVar variation 4990966 (VCV004990966.1).
Genomic context (GRCh38, chr7:132,146,564, plus strand): 5'-TGATACCTTAGTGGCCAGGAGTCGGGTCAGGTAGATTTCAGACACCATCTTGCTCCCCCG[G>A]TCCCCCTCCTTCTGGTCTCCGTGCTCGTGGTTCTTCACTAGGTGCCACATCTTGACTCCA-3'
Protein context (NP_065962.1, residues 1657-1677): NHEHGDQKEG[Asp1667=]RGSKMVSEIY